The following is an entry in ClinVar:

ClinVar aggregate classification (germline): Likely benign (1 of 4 stars; one submission).

Submission:

CeGaT Center for Human Genetics Tuebingen
Classification: Likely benign. Last evaluated: 2024-10-01. Review status: criteria provided, single submitter. Criteria: CeGaT Center For Human Genetics Tuebingen Variant Classification Criteria Version 2. Collection method: clinical testing. Allele origin: germline. Affected: yes. Observed: 1 variant allele.
Comment: TRMT10C: BP4, BP7

NM_017819.4(TRMT10C):c.327A>G (p.Pro109=)

Gene: TRMT10C (tRNA methyltransferase 10C, mitochondrial RNase P subunit; plus strand). Cytogenetic location: 3q12.3.
Variant type: single nucleotide variant.
Coding change: c.327A>G on transcript NM_017819.4 (MANE Select); coding-DNA position 327, A replaced by G.
Protein change: p.Pro109=; no amino-acid change (proline 109 retained).
Molecular consequence: synonymous variant.
Genome position (GRCh38, 1-based): chr3:101,565,108, A>G. VCF-style: chr3-101565108-A-G. GRCh37 (hg19) VCF-style: chr3-101283952-A-G.
Identifiers: ClinVar variation 3389038 (VCV003389038.14).
Genomic context (GRCh38, chr3:101,565,108, plus strand): 5'-TCCTCTAGCTGCCACCAGAGAGTTCATTGAGATGTGGAGATTGCTTGGCAGAGAAGTACC[A>G]GAACACATCACTGAAGAAGAGCTCAAAACCCTTATGGAATGTGTTTCTAACACAGCAAAA-3'
Protein context (NP_060289.2, residues 99-119): EMWRLLGREV[Pro109=]EHITEEELKT